The following is an entry in ClinVar:

NM_000143.4(FH):c.1450G>A (p.Glu484Lys)

Gene: FH (fumarate hydratase; minus strand). Cytogenetic location: 1q43.
Variant type: single nucleotide variant.
Coding change: c.1450G>A on transcript NM_000143.4 (MANE Select); coding-DNA position 1450, G replaced by A.
Protein change: p.Glu484Lys; replaces glutamic acid 484 with lysine.
Molecular consequence: missense variant.
Genome position (GRCh38, 1-based): chr1:241,497,911, C>T on the plus strand (G>A on the coding strand, the complement: FH is on the minus strand). VCF-style: chr1-241497911-C-T. GRCh37 (hg19) VCF-style: chr1-241661211-C-T.
Other names: short protein forms E484K.
Identifiers: ClinVar variation 1772947 (VCV001772947.5), dbSNP rs2527308465, ClinGen allele CA345450622.

ClinVar aggregate classification (germline): Uncertain significance. Review status: criteria provided, multiple submitters, no conflicts (2 of 4 stars). 3 submissions from 3 submitters: Uncertain significance (3). Last evaluated 2025-09-09.

Conditions:
Hereditary cancer-predisposing syndrome. Also called: Hereditary Cancer Syndrome; Hereditary neoplastic syndrome; Neoplastic Syndromes, Hereditary; Tumor predisposition. Identifiers: Orphanet 140162, MedGen C0027672, MeSH D009386, MONDO:0015356.

Submissions (3):

Ambry Genetics
Classification: Uncertain significance for Hereditary cancer-predisposing syndrome. Last evaluated: 2025-09-09. Review status: criteria provided, single submitter. Criteria: Ambry Variant Classification Scheme 2023. Collection method: clinical testing. Allele origin: germline.
Comment: The p.E484K variant (also known as c.1450G>A), located in coding exon 10 of the FH gene, results from a G to A substitution at nucleotide position 1450. The glutamic acid at codon 484 is replaced by lysine, an amino acid with similar properties. This amino acid position is poorly conserved in available vertebrate species. In addition, the in silico prediction for this alteration is inconclusive. Since supporting evidence is limited at this time, the clinical significance of this alteration remains unclear.

Quest Diagnostics Nichols Institute San Juan Capistrano
Classification: Uncertain significance. Last evaluated: 2025-05-02. Review status: criteria provided, single submitter. Criteria: Quest Diagnostics criteria. Collection method: clinical testing. Allele origin: unknown.
Comment: The FH c.1450G>A (p.Glu484Lys) variant has not been reported in individuals with FH-related conditions in the published literature. It also has not been reported in large, multi-ethnic general populations (Genome Aggregation Database). Analysis of this variant using bioinformatics tools for the prediction of the effect of amino acid changes on protein structure and function yielded predictions that this variant is benign. Based on the available information, we are unable to determine the clinical significance of this variant.

GeneDx
Classification: Uncertain significance. Last evaluated: 2022-11-23. Review status: criteria provided, single submitter. Criteria: GeneDx Variant Classification Process June 2021. Collection method: clinical testing. Allele origin: germline. Affected: yes.
Comment: Not observed at significant frequency in large population cohorts (gnomAD); In silico analysis supports that this missense variant has a deleterious effect on protein structure/function; Has not been previously published as pathogenic or benign to our knowledge

Literature cited by the submitters: PubMed 32612247 (cited by Quest Diagnostics Nichols Institute San Juan Capistrano).